The following is an entry in ClinVar:

ClinVar aggregate classification (germline): Uncertain significance (1 of 4 stars; one submission).

gnomAD v4.1: 1 of 1,613,414 alleles (0.000062%); highest among the groups gnomAD compares: Non-Finnish European, 0.000085%; no homozygotes.

Submission:

Women's Health and Genetics/Laboratory Corporation of America, LabCorp
Classification: Uncertain significance. Last evaluated: 2025-01-14. Review status: criteria provided, single submitter. Criteria: LabCorp Variant Classification Summary - May 2015. Collection method: clinical testing. Allele origin: germline.
Comment: Variant summary: TMEM38B c.569C>T (p.Ser190Leu) results in a non-conservative amino acid change in the encoded protein sequence. Four of five in-silico tools predict a damaging effect of the variant on protein function. The variant was absent in 250990 control chromosomes. The available data on variant occurrences in the general population are insufficient to allow any conclusion about variant significance. To our knowledge, no occurrence of c.569C>T in individuals affected with Osteogenesis Imperfecta and no experimental evidence demonstrating its impact on protein function have been reported. No submitters have cited clinical-significance assessments for this variant to ClinVar. Based on the evidence outlined above, the variant was classified as uncertain significance.

NM_018112.3(TMEM38B):c.569C>T (p.Ser190Leu)

Gene: TMEM38B (transmembrane protein 38B; plus strand). Cytogenetic location: 9q31.2.
Variant type: single nucleotide variant.
Coding change: c.569C>T on transcript NM_018112.3 (MANE Select); coding-DNA position 569, C replaced by T.
Protein change: p.Ser190Leu; replaces serine 190 with leucine.
Molecular consequence: missense variant.
Genome position (GRCh38, 1-based): chr9:105,748,099, C>T. VCF-style: chr9-105748099-C-T. GRCh37 (hg19) VCF-style: chr9-108510380-C-T.
Other names: short protein forms S190L.
Identifiers: ClinVar variation 3769096 (VCV003769096.2).